The following is an entry in ClinVar:

NM_001401501.2(MUC16):c.38164+6C>G

Gene: MUC16 (mucin 16, cell surface associated; minus strand). Cytogenetic location: 19p13.2.
Variant type: single nucleotide variant.
Coding change: c.38164+6C>G on transcript NM_001401501.2 (MANE Select); 6 bases into the intron after coding-DNA position 38164, C replaced by G.
Molecular consequence: intron variant.
Genome position (GRCh38, 1-based): chr19:8,906,664, G>C on the plus strand (C>G on the coding strand, the complement: MUC16 is on the minus strand). VCF-style: chr19-8906664-G-C. GRCh37 (hg19) VCF-style: chr19-9017340-G-C.
Other names: c.38590+6C>G (NM_001414686.1); c.38044+6C>G (NM_001414687.1); c.37978+6C>G (NM_024690.2).
Identifiers: ClinVar variation 3033433 (VCV003033433.2), dbSNP rs370671940, ClinGen allele CA9164863.

ClinVar aggregate classification (germline): Likely benign (0 of 4 stars; one submission).

Conditions:
MUC16-related disorder. Also called: MUC16-related condition.

Submission:

PreventionGenetics, part of Exact Sciences
Classification: Likely benign for MUC16-related condition. Last evaluated: 2019-12-03. Review status: no assertion criteria provided. Collection method: clinical testing. Allele origin: germline.
Comment: This variant is classified as likely benign based on ACMG/AMP sequence variant interpretation guidelines (Richards et al. 2015 PMID: 25741868, with internal and published modifications).